The following is an entry in ClinVar:

NM_000426.4(LAMA2):c.4485G>A (p.Thr1495=)

Gene: LAMA2 (laminin subunit alpha 2; plus strand). Cytogenetic location: 6q22.33.
Variant type: single nucleotide variant.
Coding change: c.4485G>A on transcript NM_000426.4 (MANE Select); coding-DNA position 4485, G replaced by A.
Protein change: p.Thr1495=; no amino-acid change (threonine 1495 retained).
Molecular consequence: synonymous variant.
Genome position (GRCh38, 1-based): chr6:129,349,346, G>A. VCF-style: chr6-129349346-G-A. GRCh37 (hg19) VCF-style: chr6-129670491-G-A.
Other names: c.4485G>A, p.Thr1495= (NM_001079823.2).
Identifiers: ClinVar variation 477473 (VCV000477473.11), dbSNP rs779211391, ClinGen allele CA3993571.

ClinVar aggregate classification (germline): Likely benign. Review status: criteria provided, multiple submitters, no conflicts (2 of 4 stars). 2 submissions from 2 submitters: Likely benign (2). Last evaluated 2025-09-10.

Conditions:
LAMA2-related disorder. Also called: LAMA2-related condition; LAMA2-related disorders.
LAMA2-related muscular dystrophy (LAMA2-RD). Also called: Laminin alpha 2-related dystrophy. Identifiers: MedGen C5679788, MONDO:0100228.

Allele frequency attached by ClinVar (database versions not stated): ExAC 0.00006; TOPMed 0.00007; gnomAD 0.00001; gnomAD exomes 0.00004.
gnomAD v4.1: 60 of 1,613,452 alleles (0.0037%); highest among the groups gnomAD compares: Non-Finnish European, 0.0045%; no homozygotes.

Submissions (2):

PreventionGenetics, part of Exact Sciences
Classification: Likely benign for LAMA2-related condition. Last evaluated: 2025-09-10. Review status: criteria provided, single submitter. Criteria: ACMG Guidelines, 2015. Collection method: clinical testing. Allele origin: germline.
Comment: This variant is classified as likely benign based on ACMG/AMP sequence variant interpretation guidelines (Richards et al. 2015 PMID: 25741868, with internal and published modifications).

Labcorp Genetics (formerly Invitae), Labcorp
Classification: Likely benign for LAMA2-related muscular dystrophy. Last evaluated: 2024-04-20. Review status: criteria provided, single submitter. Criteria: Invitae Variant Classification Sherloc (09022015). Collection method: clinical testing. Allele origin: germline.